The following is an entry in ClinVar:

ClinVar aggregate classification (germline): Benign/Likely benign. Review status: criteria provided, multiple submitters, no conflicts (2 of 4 stars). 2 submissions from 2 submitters: Benign (1); Likely benign (1). Last evaluated 2026-01-12.

Allele frequency attached by ClinVar (database versions not stated): gnomAD exomes 0.00010 and 0.00023; ExAC 0.00032; ESP Exome Variant Server 0.00100; gnomAD 0.00103 and 0.00104; TOPMed 0.00121; 1000 Genomes Project 30x 0.00125; 1000 Genomes Project 0.00140.
gnomAD v4.1: 326 of 1,613,714 alleles (0.02%); highest among the groups gnomAD compares: African/African-American, 0.35%; 1 homozygote.

Submissions (2):

Labcorp Genetics (formerly Invitae), Labcorp
Classification: Benign. Last evaluated: 2026-01-12. Review status: criteria provided, single submitter. Criteria: Invitae Variant Classification Sherloc (09022015). Collection method: clinical testing. Allele origin: germline.

CeGaT Center for Human Genetics Tuebingen
Classification: Likely benign. Last evaluated: 2025-02-01. Review status: criteria provided, single submitter. Criteria: CeGaT Center For Human Genetics Tuebingen Variant Classification Criteria Version 2. Collection method: clinical testing. Allele origin: germline. Affected: yes. Observed: 1 variant allele.
Comment: GLIS3: BP4, BP7

NM_001042413.2(GLIS3):c.1509C>T (p.Arg503=)

Gene: GLIS3 (GLIS family zinc finger 3; minus strand). Cytogenetic location: 9p24.2.
Variant type: single nucleotide variant.
Coding change: c.1509C>T on transcript NM_001042413.2 (MANE Select); coding-DNA position 1509, C replaced by T.
Protein change: p.Arg503=; no amino-acid change (arginine 503 retained).
Molecular consequence: synonymous variant.
Genome position (GRCh38, 1-based): chr9:4,117,969, G>A on the plus strand (C>T on the coding strand, the complement: GLIS3 is on the minus strand). VCF-style: chr9-4117969-G-A. GRCh37 (hg19) VCF-style: chr9-4117969-G-A.
Other names: c.1044C>T, p.Arg348= (NM_152629.4).
Identifiers: ClinVar variation 1165997 (VCV001165997.22), dbSNP rs141125402, ClinGen allele CA4968168.